The following is an entry in ClinVar:

NM_005560.6(LAMA5):c.4169G>A (p.Arg1390Gln)

Gene: LAMA5 (laminin subunit alpha 5; minus strand). Cytogenetic location: 20q13.33.
Variant type: single nucleotide variant.
Coding change: c.4169G>A on transcript NM_005560.6 (MANE Select); coding-DNA position 4169, G replaced by A.
Protein change: p.Arg1390Gln; replaces arginine 1390 with glutamine.
Molecular consequence: missense variant.
Genome position (GRCh38, 1-based): chr20:62,329,204, C>T on the plus strand (G>A on the coding strand, the complement: LAMA5 is on the minus strand). VCF-style: chr20-62329204-C-T. GRCh37 (hg19) VCF-style: chr20-60904260-C-T.
Other names: c.4169G>A (NM_005560.3); short protein forms R1390Q.
Identifiers: ClinVar variation 3714619 (VCV003714619.3).

ClinVar aggregate classification (germline): Conflicting classifications of pathogenicity. Review status: criteria provided, conflicting classifications (1 of 4 stars). 3 submissions from 3 submitters: Uncertain significance (2); Likely benign (1). Last evaluated 2025-11-26.

Conditions:
Inborn genetic diseases. Identifiers: MedGen C0950123, MeSH D030342.

gnomAD v4.1: 82 of 1,612,806 alleles (0.0051%); highest among the groups gnomAD compares: African/African-American, 0.092%; 1 homozygote.

Submissions (3):

Ambry Genetics
Classification: Likely benign for Inborn genetic diseases. Last evaluated: 2025-11-26. Review status: criteria provided, single submitter. Criteria: Ambry Variant Classification Scheme 2023. Collection method: clinical testing. Allele origin: germline.

GeneDx
Classification: Uncertain significance. Last evaluated: 2025-08-08. Review status: criteria provided, single submitter. Criteria: GeneDx Variant Classification Process June 2021. Collection method: clinical testing. Allele origin: germline. Affected: yes.
Comment: In silico analysis suggests that this missense variant does not alter protein structure/function; Has not been previously published as pathogenic or benign to our knowledge

Labcorp Genetics (formerly Invitae), Labcorp
Classification: Uncertain significance. Last evaluated: 2025-01-02. Review status: criteria provided, single submitter. Criteria: Invitae Variant Classification Sherloc (09022015). Collection method: clinical testing. Allele origin: germline.
Comment: This sequence change replaces arginine, which is basic and polar, with glutamine, which is neutral and polar, at codon 1390 of the LAMA5 protein (p.Arg1390Gln). This variant is present in population databases (rs80130493, gnomAD 0.07%). This variant has not been reported in the literature in individuals affected with LAMA5-related conditions. An algorithm developed to predict the effect of missense changes on protein structure and function outputs the following: PolyPhen-2: "Benign". The glutamine amino acid residue is found in multiple mammalian species, which suggests that this missense change does not adversely affect protein function. In summary, the available evidence is currently insufficient to determine the role of this variant in disease. Therefore, it has been classified as a Variant of Uncertain Significance.